The following is an entry in ClinVar:

NM_004385.5(VCAN):c.4394T>C (p.Val1465Ala)

Genes: VCAN (versican; plus strand), VCAN-AS1 (VCAN antisense RNA 1; minus strand). Cytogenetic location: 5q14.3.
Variant type: single nucleotide variant.
Coding change: c.4394T>C on transcript NM_004385.5 (MANE Select); coding-DNA position 4394, T replaced by C.
Protein change: p.Val1465Ala; replaces valine 1465 with alanine.
Molecular consequence: missense variant. On other transcripts: intron variant (2).
Genome position (GRCh38, 1-based): chr5:83,537,397, T>C. VCF-style: chr5-83537397-T-C. GRCh37 (hg19) VCF-style: chr5-82833216-T-C.
Other names: c.1433T>C, p.Val478Ala (NM_001164097.2); c.4004-8140T>C (NM_001164098.2); c.1043-8140T>C (NM_001126336.3); short protein forms V478A, V1465A.
Identifiers: ClinVar variation 2717318 (VCV002717318.3), dbSNP rs776202012, ClinGen allele CA3333167.
Genomic context (GRCh38, chr5:83,537,397, plus strand): 5'-ACAGCTCTGAAAGTGATACTCATCCATTTGTAATAGCCAAAACGGAATTGTCTACTGCTG[T>C]GCAACCTAATGAATCTACAGAAACAACTGAGTCTCTTGAAGTTACATGGAAGCCTGAGAC-3'
Protein context (NP_004376.2, residues 1455-1475): VIAKTELSTA[Val1465Ala]QPNESTETTE

ClinVar aggregate classification (germline): Uncertain significance (1 of 4 stars; one submission).

Allele frequency attached by ClinVar (database versions not stated): ExAC 0.00001; gnomAD exomes 0.00001.
gnomAD v4.1: 17 of 1,613,996 alleles (0.0011%); highest among the groups gnomAD compares: South Asian, 0.018%; 1 homozygote.

Submission:

Labcorp Genetics (formerly Invitae), Labcorp
Classification: Uncertain significance. Last evaluated: 2024-01-11. Review status: criteria provided, single submitter. Criteria: Invitae Variant Classification Sherloc (09022015). Collection method: clinical testing. Allele origin: germline.
Comment: This sequence change replaces valine, which is neutral and non-polar, with alanine, which is neutral and non-polar, at codon 1465 of the VCAN protein (p.Val1465Ala). This variant is present in population databases (rs776202012, gnomAD 0.02%). This variant has not been reported in the literature in individuals affected with VCAN-related conditions. An algorithm developed to predict the effect of missense changes on protein structure and function (PolyPhen-2) suggests that this variant is likely to be tolerated. In summary, the available evidence is currently insufficient to determine the role of this variant in disease. Therefore, it has been classified as a Variant of Uncertain Significance.